The following is an entry in ClinVar:

ClinVar aggregate classification (germline): Uncertain significance. Review status: criteria provided, multiple submitters, no conflicts (2 of 4 stars). 3 submissions from 3 submitters: Uncertain significance (2). 1 of the submissions does not count toward it. Last evaluated 2021-08-13.

Conditions:
Primary ciliary dyskinesia. Also called: Ciliary dyskinesia. Identifiers: Orphanet 244, MedGen C0008780, MONDO:0016575, HP:0012265.
Kartagener syndrome (CILD1). Also called: Dextrocardia bronchiectasis and sinusitis; SIEWERT SYNDROME; CILIARY DYSKINESIA, PRIMARY, 1; CILIARY DYSKINESIA, PRIMARY, 1, WITH OR WITHOUT SITUS INVERSUS; IMMOTILE CILIA SYNDROME; POLYNESIAN BRONCHIECTASIS. Identifiers: Orphanet 244, MedGen C4551906, MONDO:0009484, OMIM 244400.

Allele frequency attached by ClinVar (database versions not stated): gnomAD exomes below 0.00001; ExAC 0.00001; gnomAD 0.00001; TOPMed 0.00001.
gnomAD v4.1: 5 of 1,614,046 alleles (0.00031%); highest among the groups gnomAD compares: South Asian, 0.0011%; no homozygotes.

Submissions (3):

Labcorp Genetics (formerly Invitae), Labcorp
Classification: Uncertain significance for Primary ciliary dyskinesia. Last evaluated: 2021-08-13. Review status: criteria provided, single submitter. Criteria: Invitae Variant Classification Sherloc (09022015). Collection method: clinical testing. Allele origin: germline.
Comment: This sequence change replaces tyrosine with cysteine at codon 579 of the DNAI1 protein (p.Tyr579Cys). The tyrosine residue is moderately conserved and there is a large physicochemical difference between tyrosine and cysteine. This variant is present in population databases (rs760852851, ExAC 0.006%). This variant has not been reported in the literature in individuals affected with DNAI1-related conditions. ClinVar contains an entry for this variant (Variation ID: 454832). Algorithms developed to predict the effect of missense changes on protein structure and function are either unavailable or do not agree on the potential impact of this missense change (SIFT: "Deleterious"; PolyPhen-2: "Possibly Damaging"; Align-GVGD: "Class C0"). In summary, the available evidence is currently insufficient to determine the role of this variant in disease. Therefore, it has been classified as a Variant of Uncertain Significance.

Fulgent Genetics
Classification: Uncertain significance for Kartagener syndrome. Last evaluated: 2021-07-27. Review status: criteria provided, single submitter. Criteria: ACMG Guidelines, 2015. Collection method: clinical testing. Allele origin: unknown.

Natera, Inc.
Classification: Uncertain significance for Primary ciliary dyskinesia. Last evaluated: 2020-04-13. Review status: no assertion criteria provided. Collection method: clinical testing. Allele origin: germline. Not counted in ClinVar's aggregate classification.

NM_012144.4(DNAI1):c.1736A>G (p.Tyr579Cys)

Gene: DNAI1 (dynein axonemal intermediate chain 1; plus strand). Cytogenetic location: 9p13.3.
Variant type: single nucleotide variant.
Coding change: c.1736A>G on transcript NM_012144.4 (MANE Select); coding-DNA position 1736, A replaced by G.
Protein change: p.Tyr579Cys; replaces tyrosine 579 with cysteine.
Molecular consequence: missense variant.
Genome position (GRCh38, 1-based): chr9:34,514,657, A>G. VCF-style: chr9-34514657-A-G. GRCh37 (hg19) VCF-style: chr9-34514655-A-G.
Other names: c.1748A>G, p.Tyr583Cys (NM_001281428.2); short protein forms Y579C, Y583C.
Identifiers: ClinVar variation 454832 (VCV000454832.7), dbSNP rs760852851, ClinGen allele CA5034527.
Genomic context (GRCh38, chr9:34,514,657, plus strand): 5'-TGAGCCCTCTGTGCCATGGGCTTTCCACCCTCCACCTCTGCAGGACCCCGATGTTCATCT[A>G]TGACCTGAACTCAGCCGTGGGTGATGTGGCCTGGGCGCCATACTCTTCTACTGTGTTCGC-3'
Protein context (NP_036276.1, residues 569-589): DHTIKTPMFI[Tyr579Cys]DLNSAVGDVA